The following is an entry in ClinVar:

ClinVar aggregate classification (germline): Likely benign (1 of 4 stars; one submission).

Submission:

GeneDx
Classification: Likely benign. Last evaluated: 2017-04-28. Review status: criteria provided, single submitter. Criteria: GeneDx Variant Classification (06012015). Collection method: clinical testing. Allele origin: germline. Affected: yes.
Comment: This variant is considered likely benign or benign based on one or more of the following criteria: it is a conservative change, it occurs at a poorly conserved position in the protein, it is predicted to be benign by multiple in silico algorithms, and/or has population frequency not consistent with disease.

NM_032043.3(BRIP1):c.3723T>C (p.Asn1241=)

Gene: BRIP1 (BRCA1 interacting helicase 1; minus strand). Cytogenetic location: 17q23.2.
Variant type: single nucleotide variant.
Coding change: c.3723T>C on transcript NM_032043.3 (MANE Select); coding-DNA position 3723, T replaced by C.
Protein change: p.Asn1241=; no amino-acid change (asparagine 1241 retained).
Molecular consequence: synonymous variant.
Genome position (GRCh38, 1-based): chr17:61,683,323, A>G on the plus strand (T>C on the coding strand, the complement: BRIP1 is on the minus strand). VCF-style: chr17-61683323-A-G. GRCh37 (hg19) VCF-style: chr17-59760684-A-G.
Identifiers: ClinVar variation 509302 (VCV000509302.1), dbSNP rs1555572429, ClinGen allele CA501335074.